The following is an entry in ClinVar:

NM_002907.4(RECQL):c.1895A>C (p.Gln632Pro)

Genes: PYROXD1 (pyridine nucleotide-disulphide oxidoreductase domain 1; plus strand), RECQL (RecQ like helicase; minus strand). Cytogenetic location: 12p12.1.
Variant type: single nucleotide variant.
Coding change: c.1895A>C on transcript NM_002907.4 (MANE Select); coding-DNA position 1895, A replaced by C.
Protein change: p.Gln632Pro; replaces glutamine 632 with proline.
Molecular consequence: missense variant. On other transcripts: 3 prime UTR variant (3).
Genome position (GRCh38, 1-based): chr12:21,470,249, T>G on the plus strand (A>C on the coding strand, the complement: RECQL is on the minus strand). VCF-style: chr12-21470249-T-G. GRCh37 (hg19) VCF-style: chr12-21623183-T-G.
Other names: c.1895A>C, p.Gln632Pro (NM_032941.3); c.*1495T>G (NM_001350912.2, NM_001350913.2, NM_024854.5); short protein forms Q632P.
Identifiers: ClinVar variation 4576939 (VCV004576939.1).

ClinVar aggregate classification (germline): Uncertain significance (1 of 4 stars; one submission).

Submission:

Ambry Genetics
Classification: Uncertain significance. Last evaluated: 2025-09-26. Review status: criteria provided, single submitter. Criteria: Ambry Variant Classification Scheme 2023. Collection method: clinical testing. Allele origin: germline.
Comment: The p.Q632P variant (also known as c.1895A>C), located in coding exon 14 of the RECQL gene, results from an A to C substitution at nucleotide position 1895. The glutamine at codon 632 is replaced by proline, an amino acid with similar properties. This amino acid position is conserved. In addition, this alteration is predicted to be tolerated by in silico analysis. Based on the available evidence, the clinical significance of this variant remains unclear.